The following is an entry in ClinVar:

ClinVar aggregate classification (germline): Uncertain significance (1 of 4 stars; one submission).

Conditions:
Hereditary cancer-predisposing syndrome. Also called: Tumor predisposition; Hereditary neoplastic syndrome; Neoplastic Syndromes, Hereditary; Hereditary Cancer Syndrome. Identifiers: Orphanet 140162, MedGen C0027672, MeSH D009386, MONDO:0015356.

Submission:

Labcorp Genetics (formerly Invitae), Labcorp
Classification: Uncertain significance for Hereditary cancer-predisposing syndrome. Last evaluated: 2020-12-22. Review status: criteria provided, single submitter. Criteria: Invitae Variant Classification Sherloc (09022015). Collection method: clinical testing. Allele origin: germline.
Comment: In summary, the available evidence is currently insufficient to determine the role of this variant in disease. Therefore, it has been classified as a Variant of Uncertain Significance. Algorithms developed to predict the effect of missense changes on protein structure and function (SIFT, PolyPhen-2, Align-GVGD) all suggest that this variant is likely to be tolerated, but these predictions have not been confirmed by published functional studies and their clinical significance is uncertain. This variant has not been reported in the literature in individuals with RAD50-related conditions. This variant is not present in population databases (ExAC no frequency). This sequence change replaces lysine with glutamic acid at codon 864 of the RAD50 protein (p.Lys864Glu). The lysine residue is moderately conserved and there is a small physicochemical difference between lysine and glutamic acid.

NM_005732.4(RAD50):c.2590A>G (p.Lys864Glu)

Gene: RAD50 (RAD50 double strand break repair protein; plus strand). Cytogenetic location: 5q31.1.
Variant type: single nucleotide variant.
Coding change: c.2590A>G on transcript NM_005732.4 (MANE Select); coding-DNA position 2590, A replaced by G.
Protein change: p.Lys864Glu; replaces lysine 864 with glutamic acid.
Molecular consequence: missense variant.
Genome position (GRCh38, 1-based): chr5:132,604,871, A>G. VCF-style: chr5-132604871-A-G. GRCh37 (hg19) VCF-style: chr5-131940563-A-G.
Other names: short protein forms K864E.
Identifiers: ClinVar variation 1496119 (VCV001496119.8), dbSNP rs1403966891, ClinGen allele CA360956465.